The following is an entry in ClinVar:

ClinVar aggregate classification (germline): Likely benign. Review status: criteria provided, multiple submitters, no conflicts (2 of 4 stars). 3 submissions from 3 submitters: Likely benign (3). Last evaluated 2026-01-16.

Allele frequency attached by ClinVar (database versions not stated): 1000 Genomes Project 30x 0.00141; 1000 Genomes Project 0.00160; ExAC 0.00373; gnomAD exomes 0.00377 and 0.00623; TOPMed 0.00393; ESP Exome Variant Server 0.00400; gnomAD 0.00405 and 0.00424.
gnomAD v4.1: 9,470 of 1,588,750 alleles (0.6%); highest among the groups gnomAD compares: Non-Finnish European, 0.75%; 40 homozygotes.

Submissions (3):

Labcorp Genetics (formerly Invitae), Labcorp
Classification: Likely benign. Last evaluated: 2026-01-16. Review status: criteria provided, single submitter. Criteria: Invitae Variant Classification Sherloc (09022015). Collection method: clinical testing. Allele origin: germline.

CeGaT Center for Human Genetics Tuebingen
Classification: Likely benign. Last evaluated: 2025-08-01. Review status: criteria provided, single submitter. Criteria: CeGaT Center For Human Genetics Tuebingen Variant Classification Criteria Version 2. Collection method: clinical testing. Allele origin: germline. Affected: yes. Observed: 1 variant allele.
Comment: ATP4A: BS2

Breakthrough Genomics
Classification: Likely benign. Review status: criteria provided, single submitter. Criteria: ACMG Guidelines, 2015. Collection method: not provided. Allele origin: germline. Inheritance: Unknown mechanism. Affected: yes.

NM_000704.3(ATP4A):c.2039A>T (p.Gln680Leu)

Gene: ATP4A (ATPase H+/K+ transporting subunit alpha; minus strand). Cytogenetic location: 19q13.12.
Variant type: single nucleotide variant.
Coding change: c.2039A>T on transcript NM_000704.3 (MANE Select); coding-DNA position 2039, A replaced by T.
Protein change: p.Gln680Leu; replaces glutamine 680 with leucine.
Molecular consequence: missense variant.
Genome position (GRCh38, 1-based): chr19:35,555,558, T>A on the plus strand (A>T on the coding strand, the complement: ATP4A is on the minus strand). VCF-style: chr19-35555558-T-A. GRCh37 (hg19) VCF-style: chr19-36046460-T-A.
Other names: short protein forms Q680L.
Identifiers: ClinVar variation 784832 (VCV000784832.19), dbSNP rs61729956, ClinGen allele CA9380894.